The following is an entry in ClinVar:

NM_000238.4(KCNH2):c.2635G>C (p.Gly879Arg)

Gene: KCNH2 (potassium voltage-gated channel subfamily H member 2; minus strand). Cytogenetic location: 7q36.1.
Variant type: single nucleotide variant.
Coding change: c.2635G>C on transcript NM_000238.4 (MANE Select); coding-DNA position 2635, G replaced by C.
Protein change: p.Gly879Arg; replaces glycine 879 with arginine.
Molecular consequence: missense variant.
Genome position (GRCh38, 1-based): chr7:150,948,501, C>G on the plus strand (G>C on the coding strand, the complement: KCNH2 is on the minus strand). VCF-style: chr7-150948501-C-G. GRCh37 (hg19) VCF-style: chr7-150645589-C-G.
Other names: c.2635G>C (LRG_288t1); c.1615G>C, p.Gly539Arg (NM_172057.3); short protein forms G539R, G879R.
Identifiers: ClinVar variation 67421 (VCV000067421.5), dbSNP rs199473040, ClinGen allele CA007067.

ClinVar aggregate classification (germline): Uncertain significance. Review status: criteria provided, multiple submitters, no conflicts (2 of 4 stars). 4 submissions from 4 submitters: Uncertain significance (3). 1 of the submissions does not count toward it. Last evaluated 2024-09-29.

Conditions:
Cardiovascular phenotype. Identifiers: MedGen CN230736.
Familial long QT syndrome (RWS). Also called: Congenital long QT syndrome; Romano-Ward syndrome; VENTRICULAR FIBRILLATION WITH PROLONGED QT INTERVAL. Identifiers: Orphanet 768, MedGen C1141890, MONDO:0019171.
Short QT syndrome type 1. Identifiers: Orphanet 51083, MedGen C1865020, MONDO:0012312, OMIM 609620.
Long QT syndrome 2 (LQT2). Identifiers: Orphanet 101016, Orphanet 768, MedGen C3150943, MONDO:0013367, OMIM 613688.
Long QT syndrome (LQTS). Identifiers: MedGen C0023976, MeSH D008133, MONDO:0002442. Disease mechanism: loss of function. Inheritance: Various modes of inheritance.

Submissions (4):

Labcorp Genetics (formerly Invitae), Labcorp
Classification: Uncertain significance for Long QT syndrome. Last evaluated: 2024-09-29. Review status: criteria provided, single submitter. Criteria: Invitae Variant Classification Sherloc (09022015). Collection method: clinical testing. Allele origin: germline.
Comment: This sequence change replaces glycine, which is neutral and non-polar, with arginine, which is basic and polar, at codon 879 of the KCNH2 protein (p.Gly879Arg). This variant is not present in population databases (gnomAD no frequency). This missense change has been observed in individual(s) with long QT syndrome (PMID: 20851114). ClinVar contains an entry for this variant (Variation ID: 67421). An algorithm developed to predict the effect of missense changes on protein structure and function (PolyPhen-2) suggests that this variant is likely to be tolerated. In summary, the available evidence is currently insufficient to determine the role of this variant in disease. Therefore, it has been classified as a Variant of Uncertain Significance.

Ambry Genetics
Classification: Uncertain significance for Cardiovascular phenotype. Last evaluated: 2023-03-03. Review status: criteria provided, single submitter. Criteria: Ambry General Variant Classification Scheme_2022. Collection method: clinical testing. Allele origin: germline.
Comment: The p.G879R variant (also known as c.2635G>C), located in coding exon 11 of the KCNH2 gene, results from a G to C substitution at nucleotide position 2635. The glycine at codon 879 is replaced by arginine, an amino acid with dissimilar properties. This alteration has been reported in a long QT syndrome cohort; however, clinical details were limited (Millat G et al. Clin Chim Acta, 2011 Jan;412:203-7). This amino acid position is well conserved in available vertebrate species. In addition, the in silico prediction for this alteration is inconclusive. Since supporting evidence is limited at this time, the clinical significance of this alteration remains unclear.

Clinical Genomics Laboratory, Stanford Medicine
Classification: Uncertain significance for Long QT syndrome 2; Short QT syndrome type 1. Last evaluated: 2022-12-27. Review status: criteria provided, single submitter. Criteria: ACMG Guidelines, 2015. Collection method: clinical testing. Allele origin: germline. Observed: 1 variant allele, 1 heterozygote.
Comment: The p.Gly879Arg variant in the KCNH2 gene has not been previously reported in association with disease. This variant was absent from large population databases, including the Genome Aggregation Database. The KCNH2 gene has fewer missense variants in the general population than expected. A low rate of missense variation may suggest that this gene is intolerant to missense variation. Computational tools predict that this variant is deleterious; however, the accuracy of in silico algorithms is limited. These data were assessed using the ACMG/AMP variant interpretation guidelines. In summary, the significance of the p.Gly879Arg variant is uncertain. Additional information is needed to resolve the significance of this variant. [ACMG evidence codes used: PM2; PP2; PP3]

Cardiovascular Biomedical Research Unit, Royal Brompton & Harefield NHS Foundation Trust
No classification provided. Condition: Familial long QT syndrome. Review status: no classification provided. Collection method: literature only. Allele origin: germline. Not counted in ClinVar's aggregate classification.
Comment: This variant has been reported as associated with Long QT syndrome in the following publications (PMID:20851114). This is a literature report, and does not necessarily reflect the clinical interpretation of the Imperial College / Royal Brompton Cardiovascular Genetics laboratory.

Literature cited by the submitters: PubMed 20851114 (cited by 3 submitters); PubMed 22581653 (cited by Cardiovascular Biomedical Research Unit, Royal Brompton & Harefield NHS Foundation Trust).